The following is an entry in ClinVar:

NM_015557.3(CHD5):c.1327C>T (p.Leu443Phe)

Gene: CHD5 (chromodomain helicase DNA binding protein 5; minus strand). Cytogenetic location: 1p36.31.
Variant type: single nucleotide variant.
Coding change: c.1327C>T on transcript NM_015557.3 (MANE Select); coding-DNA position 1327, C replaced by T.
Protein change: p.Leu443Phe; replaces leucine 443 with phenylalanine.
Molecular consequence: missense variant.
Genome position (GRCh38, 1-based): chr1:6,148,910, G>A on the plus strand (C>T on the coding strand, the complement: CHD5 is on the minus strand). VCF-style: chr1-6148910-G-A. GRCh37 (hg19) VCF-style: chr1-6208970-G-A.
Other names: short protein forms L443F.
Identifiers: ClinVar variation 2442540 (VCV002442540.2), dbSNP rs2525426458, ClinGen allele CA338084957.
Genomic context (GRCh38, chr1:6,148,910, plus strand): 5'-TCACAGTACAGCGCGGGCAGAGCCATTCACCGTTTGGGATCTCGGGCAGCGGCGGGTTGA[G>A]GCAATGCAGGTGGTAGGAGGAGGGGCAGGCGTCGCAGCAGAGCAGCTCGCCCCCGTCCTT-3'
Protein context (NP_056372.1, residues 433-453): ACPSSYHLHC[Leu443Phe]NPPLPEIPNG

ClinVar aggregate classification (germline): Uncertain significance (1 of 4 stars; one submission).

gnomAD v4.1: 1 of 1,591,908 alleles (0.000063%); highest among the groups gnomAD compares: Non-Finnish European, 0.000086%; no homozygotes.

Submission:

GeneDx
Classification: Uncertain significance. Last evaluated: 2024-10-28. Review status: criteria provided, single submitter. Criteria: GeneDx Variant Classification Process June 2021. Collection method: clinical testing. Allele origin: germline. Affected: yes.
Comment: Not observed at significant frequency in large population cohorts (gnomAD); In silico analysis supports that this missense variant has a deleterious effect on protein structure/function; Has not been previously published as pathogenic or benign to our knowledge